The following is an entry in ClinVar:

ClinVar aggregate classification (germline): Pathogenic/Likely pathogenic. Review status: criteria provided, multiple submitters, no conflicts (2 of 4 stars). 6 submissions from 6 submitters: Pathogenic (4); Likely pathogenic (2). Last evaluated 2024-12-20.

Conditions:
Autosomal recessive limb-girdle muscular dystrophy. Identifiers: Orphanet 102015, MedGen C2931907, MONDO:0015152.
Autosomal recessive limb-girdle muscular dystrophy type 2A (LGMDR1). Also called: Calpainopathy; Muscular dystrophy, limb-girdle, type 2A, Amish; LEYDEN-MOEBIUS MUSCULAR DYSTROPHY; MUSCULAR DYSTROPHY, PELVOFEMORAL; Limb-girdle muscular dystrophy, type 2A. Identifiers: Orphanet 267, MedGen C1869123, MONDO:0009675, OMIM 253600. Disease mechanism: loss of function.
Muscular dystrophy, limb-girdle, autosomal dominant 4. Also called: Calpain-3-related limb-girdle muscular dystrophy D4; MUSCULAR DYSTROPHY, LIMB-GIRDLE, TYPE 1I. Identifiers: Orphanet 565909, MedGen C4748295, MONDO:0029133, OMIM 618129.

Submissions (6):

Revvity Omics, Revvity
Classification: Pathogenic. Last evaluated: 2024-12-20. Review status: criteria provided, single submitter. Criteria: ACMG Guidelines, 2015. Collection method: clinical testing. Allele origin: germline.

Natera, Inc.
Classification: Pathogenic for Limb-girdle muscular dystrophy type 2A. Last evaluated: 2024-05-01. Review status: criteria provided, single submitter. Criteria: Natera Variant Classification Schema (03/2026). Collection method: clinical testing. Allele origin: germline.
Comment: The c.1309C>G variant in CAPN3 is a missense variant predicted to cause substitution of arginine to glycine at amino acid 437. This variant is rare in the general population with a frequency below the threshold expected for the associated phenotype(s). This variant has been observed in one or more individuals affected with the associated recessive disease, as either homozygous or compound heterozygous with a second variant (PMID: 28403181, 18337726, 17994539). Functional studies show that this variant may disrupt protein function (PMID: 17236769). A different variant at the same position has been determined to be Pathogenic or Likely Pathogenic. Computational prediction algorithms indicate this variant is likely to affect gene or protein function. Given the available evidence, this variant is classified as Pathogenic.

Fulgent Genetics
Classification: Likely pathogenic for Autosomal recessive limb-girdle muscular dystrophy type 2A; Muscular dystrophy, limb-girdle, autosomal dominant 4. Last evaluated: 2024-04-30. Review status: criteria provided, single submitter. Criteria: ACMG Guidelines, 2015. Collection method: clinical testing. Allele origin: germline.

Women's Health and Genetics/Laboratory Corporation of America, LabCorp
Classification: Pathogenic for Autosomal recessive limb-girdle muscular dystrophy. Last evaluated: 2024-04-23. Review status: criteria provided, single submitter. Criteria: LabCorp Variant Classification Summary - May 2015. Collection method: clinical testing. Allele origin: germline.
Comment: Variant summary: CAPN3 c.1309C>G (p.Arg437Gly) results in a non-conservative amino acid change located in the Peptidase C2, calpain, large subunit, domain III (IPR022682) of the encoded protein sequence. Four of five in-silico tools predict a damaging effect of the variant on protein function. The variant was absent in 249478 control chromosomes. c.1309C>G has been reported in the homozygous or compound heterozygous state in the literature in multiple individuals affected with Limb-Girdle Muscular Dystrophy, Autosomal Recessive (e.g. Hauerslev_2012, Yu_2017, Guglieri_2008). In one individual, this variant was in trans with a pathogenic truncating variant (Yu_2017). These data indicate that the variant is very likely to be associated with disease. Samples of skeletal muscle tissue from homozygous individuals either lacked or had very low calpain-3 protein (approximately 5-20% of controls) as determined by immunohistochemistry and Western blotting (e.g. Hauerslev_2012, Guglieri_2008). The following publications have been ascertained in the context of this evaluation (PMID: 18337726, 17994539, 22443334, 28403181). ClinVar contains an entry for this variant (Variation ID: 2680368). Based on the evidence outlined above, the variant was classified as pathogenic.

Baylor Genetics
Classification: Pathogenic for Muscular dystrophy, limb-girdle, autosomal dominant 4. Last evaluated: 2024-01-20. Review status: criteria provided, single submitter. Criteria: ACMG Guidelines, 2015. Collection method: clinical testing. Allele origin: unknown.

Labcorp Genetics (formerly Invitae), Labcorp
Classification: Likely pathogenic for Autosomal recessive limb-girdle muscular dystrophy type 2A. Last evaluated: 2023-03-30. Review status: criteria provided, single submitter. Criteria: Invitae Variant Classification Sherloc (09022015). Collection method: clinical testing. Allele origin: germline.
Comment: In summary, the currently available evidence indicates that the variant is pathogenic, but additional data are needed to prove that conclusively. Therefore, this variant has been classified as Likely Pathogenic. This variant disrupts the p.Arg437 amino acid residue in CAPN3. Other variant(s) that disrupt this residue have been determined to be pathogenic (PMID: 10330340, 15221789, 16141003, 18563459, 18854869, 20044116, 26404900, 27081656). This suggests that this residue is clinically significant, and that variants that disrupt this residue are likely to be disease-causing. Advanced modeling of protein sequence and biophysical properties (such as structural, functional, and spatial information, amino acid conservation, physicochemical variation, residue mobility, and thermodynamic stability) performed at Invitae indicates that this missense variant is not expected to disrupt CAPN3 protein function. This missense change has been observed in individual(s) with autosomal recessive limb-girdle muscular dystrophy (PMID: 17994539, 18337726, 22443334). This variant is not present in population databases (gnomAD no frequency). This sequence change replaces arginine, which is basic and polar, with glycine, which is neutral and non-polar, at codon 437 of the CAPN3 protein (p.Arg437Gly).

Literature cited by the submitters: PubMed 28403181 (cited by Natera, Inc. and Women's Health and Genetics/Laboratory Corporation of America, LabCorp); PubMed 18337726 (cited by 3 submitters); PubMed 17994539 (cited by 3 submitters); PubMed 17236769 (cited by Natera, Inc.); PubMed 22443334 (cited by Women's Health and Genetics/Laboratory Corporation of America, LabCorp and Labcorp Genetics (formerly Invitae), Labcorp); PubMed 10330340 (cited by Labcorp Genetics (formerly Invitae), Labcorp); PubMed 15221789 (cited by Labcorp Genetics (formerly Invitae), Labcorp); PubMed 16141003 (cited by Labcorp Genetics (formerly Invitae), Labcorp); PubMed 18563459 (cited by Labcorp Genetics (formerly Invitae), Labcorp); PubMed 18854869 (cited by Labcorp Genetics (formerly Invitae), Labcorp); PubMed 20044116 (cited by Labcorp Genetics (formerly Invitae), Labcorp); PubMed 26404900 (cited by Labcorp Genetics (formerly Invitae), Labcorp); PubMed 27081656 (cited by Labcorp Genetics (formerly Invitae), Labcorp).

NM_000070.3(CAPN3):c.1309C>G (p.Arg437Gly)

Gene: CAPN3 (calpain 3; plus strand). Cytogenetic location: 15q15.1.
Variant type: single nucleotide variant.
Coding change: c.1309C>G on transcript NM_000070.3 (MANE Select); coding-DNA position 1309, C replaced by G.
Protein change: p.Arg437Gly; replaces arginine 437 with glycine.
Molecular consequence: missense variant.
Genome position (GRCh38, 1-based): chr15:42,399,607, C>G. VCF-style: chr15-42399607-C-G. GRCh37 (hg19) VCF-style: chr15-42691805-C-G.
Other names: c.1309C>G, p.Arg437Gly (NM_024344.2); c.1165C>G, p.Arg389Gly (NM_173087.2); c.1048C>G, p.Arg350Gly (NM_212464.2); c.*1002C>G (NM_212467.2); c.1309C>G (NM_000070.2); short protein forms R350G, R389G, R437G.
Identifiers: ClinVar variation 2680368 (VCV002680368.9), dbSNP rs777483913, ClinGen allele CA391999560.